The following is an entry in ClinVar:

ClinVar aggregate classification (germline): Uncertain significance (1 of 4 stars; one submission).

Allele frequency attached by ClinVar (database versions not stated): gnomAD exomes below 0.00001; ExAC 0.00001.
gnomAD v4.1: 1 of 1,613,584 alleles (0.000062%); highest among the groups gnomAD compares: East Asian, 0.0022%; no homozygotes.

Submission:

Labcorp Genetics (formerly Invitae), Labcorp
Classification: Uncertain significance. Last evaluated: 2022-02-02. Review status: criteria provided, single submitter. Criteria: Invitae Variant Classification Sherloc (09022015). Collection method: clinical testing. Allele origin: germline.
Comment: This sequence change replaces valine, which is neutral and non-polar, with isoleucine, which is neutral and non-polar, at codon 458 of the ITPR1 protein (p.Val458Ile). This variant is present in population databases (rs770009313, gnomAD 0.006%). This variant has not been reported in the literature in individuals affected with ITPR1-related conditions. Algorithms developed to predict the effect of missense changes on protein structure and function are either unavailable or do not agree on the potential impact of this missense change (SIFT: "Tolerated"; PolyPhen-2: "Possibly Damaging"; Align-GVGD: "Class C0"). In summary, the available evidence is currently insufficient to determine the role of this variant in disease. Therefore, it has been classified as a Variant of Uncertain Significance.

NM_001378452.1(ITPR1):c.1417G>A (p.Val473Ile)

Gene: ITPR1 (inositol 1,4,5-trisphosphate receptor type 1; plus strand). Cytogenetic location: 3p26.1.
Variant type: single nucleotide variant.
Coding change: c.1417G>A on transcript NM_001378452.1 (MANE Select); coding-DNA position 1417, G replaced by A.
Protein change: p.Val473Ile; replaces valine 473 with isoleucine.
Molecular consequence: missense variant.
Genome position (GRCh38, 1-based): chr3:4,663,069, G>A. VCF-style: chr3-4663069-G-A. GRCh37 (hg19) VCF-style: chr3-4704753-G-A.
Other names: c.1417G>A, p.Val473Ile (NM_001099952.4); c.1372G>A, p.Val458Ile (NM_001168272.2, NM_002222.7); short protein forms V473I, V458I.
Identifiers: ClinVar variation 1992187 (VCV001992187.4), dbSNP rs770009313, ClinGen allele CA2231192.